The following is an entry in ClinVar:

ClinVar aggregate classification (germline): Uncertain significance (1 of 4 stars; one submission).

Conditions:
DICER1-related tumor predisposition. Also called: DICER1 syndrome; DICER1-related pleuropulmonary blastoma cancer predisposition syndrome. Identifiers: Orphanet 284343, MedGen C3839822, MONDO:0100216.

Submission:

Labcorp Genetics (formerly Invitae), Labcorp
Classification: Uncertain significance for DICER1-related tumor predisposition. Last evaluated: 2024-09-18. Review status: criteria provided, single submitter. Criteria: Invitae Variant Classification Sherloc (09022015). Collection method: clinical testing. Allele origin: germline.
Comment: This sequence change replaces phenylalanine, which is neutral and non-polar, with valine, which is neutral and non-polar, at codon 894 of the DICER1 protein (p.Phe894Val). This variant is not present in population databases (gnomAD no frequency). This variant has not been reported in the literature in individuals affected with DICER1-related conditions. Invitae Evidence Modeling of protein sequence and biophysical properties (such as structural, functional, and spatial information, amino acid conservation, physicochemical variation, residue mobility, and thermodynamic stability) has been performed for this missense variant. However, the output from this modeling did not meet the statistical confidence thresholds required to predict the impact of this variant on DICER1 protein function. In summary, the available evidence is currently insufficient to determine the role of this variant in disease. Therefore, it has been classified as a Variant of Uncertain Significance.

NM_177438.3(DICER1):c.2680T>G (p.Phe894Val)

Gene: DICER1 (dicer 1, ribonuclease III; minus strand). Cytogenetic location: 14q32.13.
Variant type: single nucleotide variant.
Coding change: c.2680T>G on transcript NM_177438.3 (MANE Select); coding-DNA position 2680, T replaced by G.
Protein change: p.Phe894Val; replaces phenylalanine 894 with valine.
Molecular consequence: missense variant. On other transcripts: non-coding transcript variant (6).
Genome position (GRCh38, 1-based): chr14:95,107,732, A>C on the plus strand (T>G on the coding strand, the complement: DICER1 is on the minus strand). VCF-style: chr14-95107732-A-C. GRCh37 (hg19) VCF-style: chr14-95574069-A-C.
Other names: c.2680T>G, p.Phe894Val (NM_001195573.1, NM_001271282.3, NM_001291628.2 and 12 more transcripts); c.2398T>G, p.Phe800Val (NM_001395686.1); c.2275T>G, p.Phe759Val (NM_001395687.1, NM_001395688.1, NM_001395689.1 and 2 more transcripts); c.2113T>G, p.Phe705Val (NM_001395691.1); c.997T>G, p.Phe333Val (NM_001395697.1); short protein forms F705V, F333V, F759V, F800V, F894V.
Identifiers: ClinVar variation 3714443 (VCV003714443.2).